The following is an entry in ClinVar:

NM_001165963.4(SCN1A):c.3670A>G (p.Ile1224Val)

Genes: SCN1A (sodium voltage-gated channel alpha subunit 1; minus strand), LOC102724058 (uncharacterized LOC102724058; plus strand). Cytogenetic location: 2q24.3.
Variant type: single nucleotide variant.
Coding change: c.3670A>G on transcript NM_001165963.4 (MANE Select); coding-DNA position 3670, A replaced by G.
Protein change: p.Ile1224Val; replaces isoleucine 1224 with valine.
Molecular consequence: missense variant. On other transcripts: non-coding transcript variant (1).
Genome position (GRCh38, 1-based): chr2:166,013,779, T>C on the plus strand (A>G on the coding strand, the complement: SCN1A is on the minus strand). VCF-style: chr2-166013779-T-C. GRCh37 (hg19) VCF-style: chr2-166870289-T-C.
Other names: c.3586A>G, p.Ile1196Val (NM_001165964.3, NM_001353957.2, NM_001353958.2); c.3670A>G, p.Ile1224Val (NM_001202435.3, NM_001353948.2); c.3637A>G, p.Ile1213Val (NM_001353949.2, NM_001353950.2, NM_001353951.2 and 2 more transcripts); c.3634A>G, p.Ile1212Val (NM_001353954.2, NM_001353955.2); c.3583A>G, p.Ile1195Val (NM_001353960.2); c.1228A>G, p.Ile410Val (NM_001353961.2); short protein forms I1196V, I1212V, I1213V, I410V, I1195V, I1224V.
Identifiers: ClinVar variation 1405896 (VCV001405896.8), dbSNP rs1210683098, ClinGen allele CA349055844.

ClinVar aggregate classification (germline): Uncertain significance. Review status: criteria provided, multiple submitters, no conflicts (2 of 4 stars). 2 submissions from 2 submitters: Uncertain significance (2). Last evaluated 2024-08-06.

Conditions:
Early-infantile DEE. Also called: Ohtahara syndrome; Early infantile epileptic encephalopathy; Early infantile epileptic encephalopathy with suppression bursts. Identifiers: Orphanet 1934, MedGen C0393706, MONDO:0800491.

Allele frequency attached by ClinVar (database versions not stated): gnomAD exomes below 0.00001; TOPMed below 0.00001.
gnomAD v4.1: 3 of 1,612,036 alleles (0.00019%); highest among the groups gnomAD compares: African/African-American, 0.0013%; no homozygotes.

Submissions (2):

Blueprint Genetics
Classification: Uncertain significance. Last evaluated: 2024-08-06. Review status: criteria provided, single submitter. Criteria: ACMG Guidelines, 2015. Collection method: clinical testing. Allele origin: germline.

Labcorp Genetics (formerly Invitae), Labcorp
Classification: Uncertain significance for Early-infantile DEE. Last evaluated: 2023-08-24. Review status: criteria provided, single submitter. Criteria: Invitae Variant Classification Sherloc (09022015). Collection method: clinical testing. Allele origin: germline.
Comment: ClinVar contains an entry for this variant (Variation ID: 1405896). This variant has not been reported in the literature in individuals affected with SCN1A-related conditions. This variant is not present in population databases (gnomAD no frequency). This sequence change replaces isoleucine, which is neutral and non-polar, with valine, which is neutral and non-polar, at codon 1224 of the SCN1A protein (p.Ile1224Val). Advanced modeling of protein sequence and biophysical properties (such as structural, functional, and spatial information, amino acid conservation, physicochemical variation, residue mobility, and thermodynamic stability) performed at Invitae indicates that this missense variant is expected to disrupt SCN1A protein function. In summary, the available evidence is currently insufficient to determine the role of this variant in disease. Therefore, it has been classified as a Variant of Uncertain Significance.